The following is an entry in ClinVar:

NM_213599.3(ANO5):c.2587G>C (p.Glu863Gln)

Gene: ANO5 (anoctamin 5; plus strand). Cytogenetic location: 11p14.3.
Variant type: single nucleotide variant.
Coding change: c.2587G>C on transcript NM_213599.3 (MANE Select); coding-DNA position 2587, G replaced by C.
Protein change: p.Glu863Gln; replaces glutamic acid 863 with glutamine.
Molecular consequence: missense variant.
Genome position (GRCh38, 1-based): chr11:22,279,610, G>C. VCF-style: chr11-22279610-G-C. GRCh37 (hg19) VCF-style: chr11-22301156-G-C.
Other names: c.2584G>C, p.Glu862Gln (NM_001142649.2); short protein forms E862Q, E863Q.
Identifiers: ClinVar variation 1497144 (VCV001497144.8), dbSNP rs1442498026, ClinGen allele CA379924984.

ClinVar aggregate classification (germline): Uncertain significance (1 of 4 stars; one submission).

Conditions:
Gnathodiaphyseal dysplasia (GDD). Also called: GNATHODIAPHYSEAL SCLEROSIS; OSTEOGENESIS IMPERFECTA WITH UNUSUAL SKELETAL LESIONS. Identifiers: Orphanet 53697, MedGen C1833736, MONDO:0008151, OMIM 166260.
Autosomal recessive limb-girdle muscular dystrophy type 2L (LGMDR12). Also called: Limb-girdle muscular dystrophy, type 2L; MUSCULAR DYSTROPHY, LIMB-GIRDLE, AUTOSOMAL RECESSIVE 12; Limb-Girdle Muscular Dystrophy R12 Anoctamin-5-Related (LGMD-R12). Identifiers: Orphanet 206549, MedGen C1969785, MONDO:0012652, OMIM 611307.

Allele frequency attached by ClinVar (database versions not stated): gnomAD exomes below 0.00001.
gnomAD v4.1: 1 of 1,612,984 alleles (0.000062%); highest among the groups gnomAD compares: Non-Finnish European, 0.000085%; no homozygotes.

Submission:

Labcorp Genetics (formerly Invitae), Labcorp
Classification: Uncertain significance for Autosomal recessive limb-girdle muscular dystrophy type 2L; Gnathodiaphyseal dysplasia. Last evaluated: 2025-11-12. Review status: criteria provided, single submitter. Criteria: Invitae Variant Classification Sherloc (09022015). Collection method: clinical testing. Allele origin: germline.
Comment: This sequence change replaces glutamic acid, which is acidic and polar, with glutamine, which is neutral and polar, at codon 863 of the ANO5 protein (p.Glu863Gln). This variant is present in population databases (no rsID available, gnomAD 0.0009%). This variant has not been reported in the literature in individuals affected with ANO5-related conditions. ClinVar contains an entry for this variant (Variation ID: 1497144). Invitae Evidence Modeling of protein sequence and biophysical properties (such as structural, functional, and spatial information, amino acid conservation, physicochemical variation, residue mobility, and thermodynamic stability) indicates that this missense variant is not expected to disrupt ANO5 protein function with a negative predictive value of 80%. In summary, the available evidence is currently insufficient to determine the role of this variant in disease. Therefore, it has been classified as a Variant of Uncertain Significance.